The following is an entry in ClinVar:

ClinVar aggregate classification (germline): Likely benign (1 of 4 stars; one submission).

gnomAD v4.1: 70 of 1,613,810 alleles (0.0043%); highest among the groups gnomAD compares: Non-Finnish European, 0.0056%; no homozygotes.

Submission:

CeGaT Center for Human Genetics Tuebingen
Classification: Likely benign. Last evaluated: 2025-06-01. Review status: criteria provided, single submitter. Criteria: CeGaT Center For Human Genetics Tuebingen Variant Classification Criteria Version 2. Collection method: clinical testing. Allele origin: germline. Affected: yes. Observed: 1 variant allele.
Comment: SMARCC2: BP4, BP7

NM_001330288.2(SMARCC2):c.3567T>C (p.Pro1189=)

Gene: SMARCC2 (SWI/SNF related BAF chromatin remodeling complex subunit C2; minus strand). Cytogenetic location: 12q13.2.
Variant type: single nucleotide variant.
Coding change: c.3567T>C on transcript NM_001330288.2 (MANE Select); coding-DNA position 3567, T replaced by C.
Protein change: p.Pro1189=; no amino-acid change (proline 1189 retained).
Molecular consequence: synonymous variant. On other transcripts: intron variant (2).
Genome position (GRCh38, 1-based): chr12:56,164,397, A>G on the plus strand (T>C on the coding strand, the complement: SMARCC2 is on the minus strand). VCF-style: chr12-56164397-A-G. GRCh37 (hg19) VCF-style: chr12-56558181-A-G.
Other names: c.3474T>C, p.Pro1158= (NM_003075.5); c.3316+251T>C (NM_139067.4); c.3317-29T>C (NM_001130420.3).
Identifiers: ClinVar variation 3905442 (VCV003905442.10).
Genomic context (GRCh38, chr12:56,164,397, plus strand): 5'-CTGAACAGCTGCCACAATGGCAGGGCTTTGGGCTGCGGCGGATCCGAGCCCCGGCCCGAG[A>G]GGCAAGGAAGATGGCATGGTGGTGGTCGCCGGCAGGTTAGGATGTAGAGGGTTCGCCATG-3'
Protein context (NP_001317217.1, residues 1179-1199): PATTTMPSSL[Pro1189=]LGPGLGSAAA